The following is an entry in ClinVar:

ClinVar aggregate classification (germline): Uncertain significance (1 of 4 stars; one submission).

Allele frequency attached by ClinVar (database versions not stated): TOPMed below 0.00001; gnomAD 0.00001.
gnomAD v4.1: 14 of 1,613,620 alleles (0.00087%); highest among the groups gnomAD compares: Non-Finnish European, 0.0011%; no homozygotes.

Submission:

Labcorp Genetics (formerly Invitae), Labcorp
Classification: Uncertain significance. Last evaluated: 2022-03-08. Review status: criteria provided, single submitter. Criteria: Invitae Variant Classification Sherloc (09022015). Collection method: clinical testing. Allele origin: germline.
Comment: This variant has not been reported in the literature in individuals affected with GSN-related conditions. In summary, the available evidence is currently insufficient to determine the role of this variant in disease. Therefore, it has been classified as a Variant of Uncertain Significance. Algorithms developed to predict the effect of missense changes on protein structure and function output the following: SIFT: "Tolerated"; PolyPhen-2: "Benign"; Align-GVGD: "Class C0". The lysine amino acid residue is found in multiple mammalian species, which suggests that this missense change does not adversely affect protein function. This variant is not present in population databases (gnomAD no frequency). This sequence change replaces asparagine, which is neutral and polar, with lysine, which is basic and polar, at codon 118 of the GSN protein (p.Asn118Lys).

NM_198252.3(GSN):c.201T>A (p.Asn67Lys)

Gene: GSN (gelsolin; plus strand). Cytogenetic location: 9q33.2.
Variant type: single nucleotide variant.
Coding change: c.201T>A on transcript NM_198252.3 (MANE Select); coding-DNA position 201, T replaced by A.
Protein change: p.Asn67Lys; replaces asparagine 67 with lysine.
Molecular consequence: missense variant. On other transcripts: 5 prime UTR variant (1).
Genome position (GRCh38, 1-based): chr9:121,302,915, T>A. VCF-style: chr9-121302915-T-A. GRCh37 (hg19) VCF-style: chr9-124065193-T-A.
Other names: c.252T>A, p.Asn84Lys (NM_001258029.2); c.225T>A, p.Asn75Lys (NM_001258030.2); c.201T>A, p.Asn67Lys (NM_001353053.1, NM_001353054.1, NM_001353055.2 and 10 more transcripts); c.354T>A, p.Asn118Lys (NM_000177.5); c.309T>A, p.Asn103Lys (NM_001127663.2); c.234T>A, p.Asn78Lys (NM_001127666.2, NM_001127667.2, NM_001353063.2 and 13 more transcripts); c.273T>A, p.Asn91Lys (NM_001353076.2); c.-454T>A (NM_001353078.2); short protein forms N118K, N103K, N67K, N78K, N84K, N75K, N91K.
Identifiers: ClinVar variation 2185827 (VCV002185827.4), dbSNP rs373229223, ClinGen allele CA374733169.
Genomic context (GRCh38, chr9:121,302,915, plus strand): 5'-CAGGGGTCTGGGATACTTCTGGAAAGCCAGGCTCATATTGCTCTGATGTCCCGTAGGCAA[T>A]GAGTGCAGCCAGGATGAGAGCGGGGCGGCCGCCATCTTTACCGTGCAGCTGGATGACTAC-3'
Protein context (NP_937895.1, residues 57-77): LQYDLHYWLG[Asn67Lys]ECSQDESGAA